The following is an entry in ClinVar:

ClinVar aggregate classification (germline): Likely pathogenic. Review status: criteria provided, multiple submitters, no conflicts (2 of 4 stars). 2 submissions from 2 submitters: Likely pathogenic (2). Last evaluated 2025-05-05.

Conditions:
Hereditary factor IX deficiency disease (HEMB). Also called: Hemophilia B; F9 DEFICIENCY; FACTOR IX DEFICIENCY; PLASMA THROMBOPLASTIN COMPONENT DEFICIENCY; Christmas Disease. Identifiers: Orphanet 98879, MedGen C0008533, MeSH D002836, MONDO:0010604, OMIM 306900.
Hereditary factor VIII deficiency disease (HEMA). Also called: Hemophilia A, congenital; HEM A; Factor 8 deficiency, congenital; HEMOPHILIA, CLASSIC; Hemophilia A; AUTOSOMAL HEMOPHILIA A. Identifiers: Orphanet 98878, MedGen C0019069, MONDO:0010602, OMIM 306700.

Allele frequency attached by ClinVar (database versions not stated): TOPMed 0.00001.

Submissions (2):

Myriad Genetics, Inc.
Classification: Likely pathogenic for Hereditary factor VIII deficiency disease. Last evaluated: 2025-05-05. Review status: criteria provided, single submitter. Criteria: Myriad Autosomal Dominant, Autosomal Recessive and X-Linked Classification Criteria (2023). Collection method: clinical testing. Allele origin: unknown.
Comment: NM_000132.3(F8):c.143G>A(R48K) is a missense variant classified as likely pathogenic in the context of hemophilia A. R48K has been observed in cases with relevant disease (PMID: 30913330, 34844950, 36823319, 38455035, 8644728). Relevant functional assessments of this variant are not available in the literature. R48K has not been observed in referenced population frequency databases. . Please note: this variant was assessed in the context of healthy population screening.

NIHR Bioresource Rare Diseases, University of Cambridge
Classification: Likely pathogenic for Hereditary factor IX deficiency disease. Last evaluated: 2019-02-01. Review status: criteria provided, single submitter. Criteria: ACMG Guidelines, 2015. Collection method: research. Allele origin: unknown. Affected: yes. Observed: 1 hemizygote. Study: ThromboGenomics.

Literature cited by the submitters: PubMed 30913330 (cited by Myriad Genetics, Inc.); PubMed 34844950 (cited by Myriad Genetics, Inc.); PubMed 36823319 (cited by Myriad Genetics, Inc.); PubMed 38455035 (cited by Myriad Genetics, Inc.); PubMed 8644728 (cited by Myriad Genetics, Inc.); PubMed 31064749 (cited by NIHR Bioresource Rare Diseases, University of Cambridge).

NM_000132.4(F8):c.143G>A (p.Arg48Lys)

Gene: F8 (coagulation factor VIII; minus strand). Cytogenetic location: Xq28.
Variant type: single nucleotide variant.
Coding change: c.143G>A on transcript NM_000132.4 (MANE Select); coding-DNA position 143, G replaced by A.
Protein change: p.Arg48Lys; replaces arginine 48 with lysine.
Molecular consequence: missense variant.
Genome position (GRCh38, 1-based): chrX:155,022,410, C>T on the plus strand (G>A on the coding strand, the complement: F8 is on the minus strand). VCF-style: chrX-155022410-C-T. GRCh37 (hg19) VCF-style: chrX-154250685-C-T.
Other names: short protein forms R48K.
Identifiers: ClinVar variation 627238 (VCV000627238.2), dbSNP rs1261929809, ClinGen allele CA414920430.